The following is an entry in ClinVar:

NM_001128425.2(MUTYH):c.36+5G>T

Genes: MUTYH (mutY DNA glycosylase; minus strand), TOE1 (target of EGR1, exonuclease; plus strand). Cytogenetic location: 1p34.1.
Variant type: single nucleotide variant.
Coding change: c.36+5G>T on transcript NM_001128425.2 (MANE Plus Clinical); 5 bases into the intron after coding-DNA position 36, G replaced by T.
Molecular consequence: intron variant. On other transcripts: 5 prime UTR variant (3).
Genome position (GRCh38, 1-based): chr1:45,340,214, C>A on the plus strand (G>T on the coding strand, the complement: MUTYH is on the minus strand). VCF-style: chr1-45340214-C-A. GRCh37 (hg19) VCF-style: chr1-45805886-C-A.
Other names: c.-39C>A (NM_025077.4); c.-18G>T (NM_001407070.1, NM_001407071.1); c.-7+9G>T (NM_001407072.1); c.-214+5G>T (NM_001350651.2); c.-219+5G>T (NM_001293192.2); c.-278+5G>T (NM_001350650.2); c.36+5G>T (NM_001407073.1, NM_001293190.2, NM_001407069.1 and 1 more transcripts); c.-7+5G>T (NM_001048171.2).
Identifiers: ClinVar variation 1423553 (VCV001423553.7), dbSNP rs876658588, ClinGen allele CA2473716208.
Genomic context (GRCh38, chr1:45,340,214, plus strand): 5'-CGAGACCCCGCCCCATCCCCGACTGCCTGAACCGCGCCAGGAGACGGACCGCAAGTCCAG[C>A]GTACCCACAGACGACTCAGGCGGGAGACGAGCGGTGTCATGGCCGCCGACAGTGACGATG-3'

ClinVar aggregate classification (germline): Uncertain significance. Review status: criteria provided, multiple submitters, no conflicts (2 of 4 stars). 2 submissions from 2 submitters: Uncertain significance (2). Last evaluated 2025-08-02.

Conditions:
Familial adenomatous polyposis 2. Also called: Adenomas, multiple colorectal; COLORECTAL ADENOMATOUS POLYPOSIS, AUTOSOMAL RECESSIVE; ADENOMAS, MULTIPLE COLORECTAL, AUTOSOMAL RECESSIVE; FAP type 2; MYH-associated polyposis; MUTYH-associated polyposis. Identifiers: Orphanet 220460, Orphanet 247798, MedGen C3272841, MONDO:0012041, OMIM 608456.
Hereditary cancer-predisposing syndrome. Also called: Tumor predisposition; Neoplastic Syndromes, Hereditary; Hereditary Cancer Syndrome; Hereditary neoplastic syndrome. Identifiers: Orphanet 140162, MedGen C0027672, MeSH D009386, MONDO:0015356.

Submissions (2):

Labcorp Genetics (formerly Invitae), Labcorp
Classification: Uncertain significance for Familial adenomatous polyposis 2. Last evaluated: 2025-08-02. Review status: criteria provided, single submitter. Criteria: Invitae Variant Classification Sherloc (09022015). Collection method: clinical testing. Allele origin: germline.
Comment: This sequence change falls in intron 1 of the MUTYH gene. It does not directly change the encoded amino acid sequence of the MUTYH protein. It affects a nucleotide within the consensus splice site. This variant is not present in population databases (gnomAD no frequency). This variant has not been reported in the literature in individuals affected with MUTYH-related conditions. ClinVar contains an entry for this variant (Variation ID: 1423553). Variants that disrupt the consensus splice site are a relatively common cause of aberrant splicing (PMID: 17576681, 9536098). Algorithms developed to predict the effect of sequence changes on RNA splicing suggest that this variant may disrupt the consensus splice site. In summary, the available evidence is currently insufficient to determine the role of this variant in disease. Therefore, it has been classified as a Variant of Uncertain Significance.

Ambry Genetics
Classification: Uncertain significance for Hereditary cancer-predisposing syndrome. Last evaluated: 2024-10-25. Review status: criteria provided, single submitter. Criteria: Ambry Variant Classification Scheme 2023. Collection method: clinical testing. Allele origin: germline.
Comment: The c.36+5G>T intronic variant results from a G to T substitution 5 nucleotides after coding exon 1 in the MUTYH gene. This nucleotide position is well conserved in available vertebrate species. In silico splice site analysis predicts that this alteration will weaken the native splice donor site and may result in the creation or strengthening of a novel splice donor site. Based on the available evidence, the clinical significance of this variant remains unclear.

Literature cited by the submitters: PubMed 17576681 (cited by Labcorp Genetics (formerly Invitae), Labcorp); PubMed 9536098 (cited by Labcorp Genetics (formerly Invitae), Labcorp).